The following is an entry in ClinVar:

ClinVar aggregate classification (germline): Uncertain significance (1 of 4 stars; one submission).

gnomAD v4.1: 26 of 1,446,722 alleles (0.0018%); highest among the groups gnomAD compares: African/African-American, 0.0029%; no homozygotes.

Submission:

Ambry Genetics
Classification: Uncertain significance. Last evaluated: 2025-11-08. Review status: criteria provided, single submitter. Criteria: Ambry Variant Classification Scheme 2023. Collection method: clinical testing. Allele origin: germline.
Comment: The c.212C>A (p.P71Q) alteration is located in exon (coding exon ) of the MPPED1 gene. This alteration results from a C to A substitution at nucleotide position 212, causing the proline (P) at amino acid position 71 to be replaced by a glutamine (Q). Based on insufficient or conflicting evidence, the clinical significance of this alteration remains unclear.

NM_001044370.2(MPPED1):c.212C>A (p.Pro71Gln)

Gene: MPPED1 (metallophosphoesterase domain containing 1; plus strand). Cytogenetic location: 22q13.2.
Variant type: single nucleotide variant.
Coding change: c.212C>A on transcript NM_001044370.2 (MANE Select); coding-DNA position 212, C replaced by A.
Protein change: p.Pro71Gln; replaces proline 71 with glutamine.
Molecular consequence: missense variant.
Genome position (GRCh38, 1-based): chr22:43,425,197, C>A. VCF-style: chr22-43425197-C-A. GRCh37 (hg19) VCF-style: chr22-43821203-C-A.
Other names: c.212C>A, p.Pro71Gln (NM_001362786.2); short protein forms P71Q.
Identifiers: ClinVar variation 4552849 (VCV004552849.1).
Genomic context (GRCh38, chr22:43,425,197, plus strand): 5'-GCTCCAACCCCACCCAGGCCTTCACCTTCTACAACATCAACCAGGGCCGCTTCCAGCCAC[C>A]GCATGTGCAGATGTAAGTGGGACCGGTGGGGTGGGGGTGGGGGCGGTGACGGCCCCCTGG-3'
Protein context (NP_001037835.1, residues 61-81): YNINQGRFQP[Pro71Gln]HVQMVDPVPH